The following is an entry in ClinVar:

ClinVar aggregate classification (germline): Benign/Likely benign. Review status: criteria provided, multiple submitters, no conflicts (2 of 4 stars). 19 submissions from 18 submitters: Benign (11); Likely benign (6). 2 of the submissions do not count toward it. Last evaluated 2026-07-01.

Conditions:
Breast and/or ovarian cancer. Identifiers: MedGen CN221562.
Hereditary cancer-predisposing syndrome. Also called: Neoplastic Syndromes, Hereditary; Tumor predisposition; Hereditary neoplastic syndrome; Hereditary Cancer Syndrome. Identifiers: Orphanet 140162, MedGen C0027672, MeSH D009386, MONDO:0015356.
Hereditary breast ovarian cancer syndrome. Also called: Breast and ovarian cancer; BRCA1- and BRCA2-Associated Hereditary Breast and Ovarian Cancer; Hereditary breast and/or ovarian cancer syndrome; Hereditary breast and ovarian cancer syndrome; Hereditary breast and ovarian cancer; Hereditary breast and ovarian cancer syndrome (HBOC). Identifiers: Orphanet 145, MedGen C0677776, MeSH D061325, MONDO:0003582. Disease mechanism: loss of function.
CHEK2-related cancer predisposition (TPDS4). Also called: CHEK2-related cancer susceptibility; TUMOR PREDISPOSITION SYNDROME 4; CANCER PREDISPOSITION SYNDROME, CHEK2-RELATED. Identifiers: Orphanet 524, MedGen C5882668, MONDO:0700271, OMIM 609265.
Familial cancer of breast. Also called: Hereditary breast cancer; hereditary breast carcinoma; BREAST CANCER, FAMILIAL. Identifiers: Orphanet 227535, MedGen C0346153, MONDO:0016419, OMIM 114480. Disease mechanism: loss of function.

Allele frequency attached by ClinVar (database versions not stated): ExAC 0.00047; gnomAD exomes 0.00048; 1000 Genomes Project 30x 0.00062; 1000 Genomes Project 0.00080; gnomAD 0.00176 and 0.00190; TOPMed 0.00218; ESP Exome Variant Server 0.00227.
gnomAD v4.1: 497 of 1,595,958 alleles (0.031%); highest among the groups gnomAD compares: African/African-American, 0.59%; 1 homozygote.

Submissions (19):

CeGaT Center for Human Genetics Tuebingen
Classification: Likely benign. Last evaluated: 2026-07-01. Review status: criteria provided, single submitter. Criteria: CeGaT Center For Human Genetics Tuebingen Variant Classification Criteria Version 2. Collection method: clinical testing. Allele origin: germline. Affected: yes. Observed: 2 variant alleles.
Comment: CHEK2: BP4, BP7, BS1

Labcorp Genetics (formerly Invitae), Labcorp
Classification: Benign for Familial cancer of breast. Last evaluated: 2026-02-03. Review status: criteria provided, single submitter. Criteria: Invitae Variant Classification Sherloc (09022015). Collection method: clinical testing. Allele origin: germline.

Center for Genomic Medicine, Rigshospitalet, Copenhagen University Hospital
Classification: Likely benign. Last evaluated: 2025-03-04. Review status: criteria provided, single submitter. Criteria: ACMG Guidelines, 2015. Collection method: clinical testing. Allele origin: germline.

KCCC/NGS Laboratory, Kuwait Cancer Control Center
Classification: Benign for CHEK2-related cancer predisposition. Last evaluated: 2025-02-01. Review status: criteria provided, single submitter. Criteria: ACMG Guidelines, 2015. Collection method: clinical testing. Allele origin: germline. Affected: no.

Blueprint Genetics
Classification: Likely benign. Last evaluated: 2024-09-12. Review status: criteria provided, single submitter. Criteria: ACMG Guidelines, 2015. Collection method: clinical testing. Allele origin: germline.

KCCC/NGS Laboratory, Kuwait Cancer Control Center
Classification: Benign for Familial cancer of breast. Last evaluated: 2023-07-07. Review status: criteria provided, single submitter. Criteria: ACMG Guidelines, 2015. Collection method: clinical testing. Allele origin: germline. Affected: yes.

ARUP Laboratories, Molecular Genetics and Genomics, ARUP Laboratories
Classification: Benign. Last evaluated: 2023-06-19. Review status: criteria provided, single submitter. Criteria: ARUP Molecular Germline Variant Investigation Process 2024. Collection method: clinical testing. Allele origin: germline.

Myriad Genetics, Inc.
Classification: Benign for Familial cancer of breast. Last evaluated: 2023-03-09. Review status: criteria provided, single submitter. Criteria: Myriad Autosomal Dominant, Autosomal Recessive and X-Linked Classification Criteria (2023). Collection method: clinical testing. Allele origin: unknown.
Comment: This variant is considered benign. This variant is a silent/synonymous amino acid change and it is not expected to impact splicing.

Quest Diagnostics Nichols Institute San Juan Capistrano
Classification: Benign. Last evaluated: 2022-11-08. Review status: criteria provided, single submitter. Criteria: Quest Diagnostics criteria. Collection method: clinical testing. Allele origin: unknown.

National Health Laboratory Service, Universitas Academic Hospital and University of the Free State
Classification: Benign for Hereditary breast ovarian cancer syndrome. Last evaluated: 2022-04-19. Review status: criteria provided, single submitter. Criteria: ACMG Guidelines, 2015. Collection method: clinical testing. Allele origin: germline. Affected: yes. Observed: 1 variant allele.

Genetic Services Laboratory, University of Chicago
Classification: Benign. Last evaluated: 2021-12-13. Review status: criteria provided, single submitter. Criteria: ACMG Guidelines, 2015. Collection method: clinical testing. Allele origin: germline. Affected: no.

CHEO Genetics Diagnostic Laboratory, Children's Hospital of Eastern Ontario
Classification: Likely benign for Breast and/or ovarian cancer. Last evaluated: 2021-10-29. Review status: criteria provided, single submitter. Criteria: ACMG Guidelines, 2015. Collection method: clinical testing. Allele origin: germline.

Sema4
Classification: Benign for Hereditary cancer-predisposing syndrome. Last evaluated: 2020-12-12. Review status: criteria provided, single submitter. Criteria: Sema4 Curation Guidelines. Collection method: curation. Allele origin: germline.

Women's Health and Genetics/Laboratory Corporation of America, LabCorp
Classification: Benign. Last evaluated: 2016-03-07. Review status: criteria provided, single submitter. Criteria: LabCorp Variant Classification Summary - May 2015. Collection method: clinical testing. Allele origin: germline.

Color Diagnostics, LLC DBA Color Health
Classification: Likely benign for Hereditary cancer-predisposing syndrome. Last evaluated: 2015-04-24. Review status: criteria provided, single submitter. Criteria: ACMG Guidelines, 2015. Collection method: clinical testing. Allele origin: germline.

Ambry Genetics
Classification: Likely benign for Hereditary cancer-predisposing syndrome. Last evaluated: 2014-06-24. Review status: criteria provided, single submitter. Criteria: Ambry Variant Classification Scheme 2023. Collection method: clinical testing. Allele origin: germline.

GeneDx
Classification: Benign. Last evaluated: 2014-01-15. Review status: criteria provided, single submitter. Criteria: GeneDx Variant Classification (06012015). Collection method: clinical testing. Allele origin: germline. Affected: yes.
Comment: This variant is considered likely benign or benign based on one or more of the following criteria: it is a conservative change, it occurs at a poorly conserved position in the protein, it is predicted to be benign by multiple in silico algorithms, and/or has population frequency not consistent with disease.

Counsyl
Classification: Likely benign for Familial cancer of breast. Last evaluated: 2016-05-09. Review status: no assertion criteria provided. Collection method: clinical testing. Allele origin: unknown. Not counted in ClinVar's aggregate classification.

Department of Pathology and Laboratory Medicine, Sinai Health System
Classification: Likely benign. Review status: no assertion criteria provided. Collection method: clinical testing. Allele origin: unknown. Affected: yes. Study: The Canadian Open Genetics Repository (COGR). Not counted in ClinVar's aggregate classification.
Comment: The CHEK2 p.Val469= variant was not identified in the literature. The variant was identified in dbSNP (ID: rs17881378) as â€šÃ„ÃºWith other alleleâ€šÃ„Ã¹ and ClinVar (classified as likely benign by Ambry Genetics, Counsyl, Quest Diagnostics, and Color; and as benign by GeneDx, Invitae, and Integrated Genetics). The variant was identified in control databases in 152 of 260148 chromosomes at a frequency of 0.0006, increasing the likelihood this could be a low frequency benign variant (Genome Aggregation Database Feb 27, 2017). The variant was observed in the following populations: African in 143 of 22576 chromosomes (freq: 0.006334), Latino in 7 of 34216 chromosomes (freq: 0.000205), and European (Non-Finnish) in 2 of 122014 chromosomes (freq: 0.000016), while the variant was not observed in the Other, Ashkenazi Jewish, East Asian, European (Finnish), or South Asian populations. The p.Val469= variant is not expected to have clinical significance because it does not result in a change of amino acid and is not located in a known consensus splice site. In addition, in silico or computational prediction software programs (SpliceSiteFinder, MaxEntScan, NNSPLICE, GeneSplicer) do not predict a difference in splicing. In summary, based on the above information, the clinical significance of this variant cannot be determined with certainty at this time although we would lean towards a more benign role for this variant. This variant is classified as likely benign.

NM_007194.4(CHEK2):c.1407G>A (p.Val469=)

Gene: CHEK2 (checkpoint kinase 2; minus strand). Cytogenetic location: 22q12.1.
Variant type: single nucleotide variant.
Coding change: c.1407G>A on transcript NM_007194.4 (MANE Select); coding-DNA position 1407, G replaced by A.
Protein change: p.Val469=; no amino-acid change (valine 469 retained).
Molecular consequence: synonymous variant.
Genome position (GRCh38, 1-based): chr22:28,694,086, C>T on the plus strand (G>A on the coding strand, the complement: CHEK2 is on the minus strand). VCF-style: chr22-28694086-C-T. GRCh37 (hg19) VCF-style: chr22-29090074-C-T.
Other names: p.V469V:GTG>GTA; NP_009125.1:p.Val469=; c.1536G>A, p.Val512= (NM_001005735.3); c.744G>A, p.Val248= (NM_001257387.3); c.1206G>A, p.Val402= (NM_001349956.3); c.1320G>A, p.Val440= (NM_145862.3).
Identifiers: ClinVar variation 136744 (VCV000136744.45), dbSNP rs17881378, ClinGen allele CA290069.